The following is an entry in ClinVar:

ClinVar aggregate classification (germline): Uncertain significance. Review status: criteria provided, multiple submitters, no conflicts (2 of 4 stars). 3 submissions from 3 submitters: Uncertain significance (3). Last evaluated 2025-04-24.

Conditions:
Hereditary cancer-predisposing syndrome. Also called: Neoplastic Syndromes, Hereditary; Tumor predisposition; Hereditary neoplastic syndrome; Hereditary Cancer Syndrome. Identifiers: Orphanet 140162, MedGen C0027672, MeSH D009386, MONDO:0015356.
Familial cancer of breast. Also called: hereditary breast carcinoma; Hereditary breast cancer; BREAST CANCER, FAMILIAL. Identifiers: Orphanet 227535, MedGen C0346153, MONDO:0016419, OMIM 114480. Disease mechanism: loss of function.

Submissions (3):

Labcorp Genetics (formerly Invitae), Labcorp
Classification: Uncertain significance for Familial cancer of breast. Last evaluated: 2025-04-24. Review status: criteria provided, single submitter. Criteria: Invitae Variant Classification Sherloc (09022015). Collection method: clinical testing. Allele origin: germline.
Comment: This sequence change replaces arginine, which is basic and polar, with glycine, which is neutral and non-polar, at codon 658 of the BARD1 protein (p.Arg658Gly). This variant is not present in population databases (gnomAD no frequency). This variant has not been reported in the literature in individuals affected with BARD1-related conditions. ClinVar contains an entry for this variant (Variation ID: 1370827). An algorithm developed to predict the effect of missense changes on protein structure and function (PolyPhen-2) suggests that this variant is likely to be tolerated. In summary, the available evidence is currently insufficient to determine the role of this variant in disease. Therefore, it has been classified as a Variant of Uncertain Significance.

Ambry Genetics
Classification: Uncertain significance for Hereditary cancer-predisposing syndrome. Last evaluated: 2024-06-03. Review status: criteria provided, single submitter. Criteria: Ambry Variant Classification Scheme 2023. Collection method: clinical testing. Allele origin: germline.
Comment: The p.R658G variant (also known as c.1972C>G), located in coding exon 10 of the BARD1 gene, results from a C to G substitution at nucleotide position 1972. The arginine at codon 658 is replaced by glycine, an amino acid with dissimilar properties. This amino acid position is poorly conserved in available vertebrate species. In addition, this alteration is predicted to be tolerated by in silico analysis. Based on the available evidence, the clinical significance of this variant remains unclear.

Color Diagnostics, LLC DBA Color Health
Classification: Uncertain significance for Hereditary cancer-predisposing syndrome. Last evaluated: 2021-10-19. Review status: criteria provided, single submitter. Criteria: ACMG Guidelines, 2015. Collection method: clinical testing. Allele origin: germline.
Comment: This missense variant replaces arginine with glycine at codon 658 of the BARD1 protein. Computational prediction suggests that this variant may not impact protein structure and function (internally defined REVEL score threshold <= 0.5, PMID: 27666373). To our knowledge, functional studies have not been reported for this variant. This variant has not been reported in individuals affected with hereditary cancer in the literature. This variant has not been identified in the general population by the Genome Aggregation Database (gnomAD). The available evidence is insufficient to determine the role of this variant in disease conclusively. Therefore, this variant is classified as a Variant of Uncertain Significance.

NM_000465.4(BARD1):c.1972C>G (p.Arg658Gly)

Gene: BARD1 (BRCA1 associated RING domain 1; minus strand). Cytogenetic location: 2q35.
Variant type: single nucleotide variant.
Coding change: c.1972C>G on transcript NM_000465.4 (MANE Select); coding-DNA position 1972, C replaced by G.
Protein change: p.Arg658Gly; replaces arginine 658 with glycine.
Molecular consequence: missense variant. On other transcripts: non-coding transcript variant (3).
Genome position (GRCh38, 1-based): chr2:214,730,440, G>C on the plus strand (C>G on the coding strand, the complement: BARD1 is on the minus strand). VCF-style: chr2-214730440-G-C. GRCh37 (hg19) VCF-style: chr2-215595164-G-C.
Other names: c.1915C>G, p.Arg639Gly (NM_001282543.2); c.619C>G, p.Arg207Gly (NM_001282545.2); c.562C>G, p.Arg188Gly (NM_001282548.2); c.433C>G, p.Arg145Gly (NM_001282549.2); c.1972C>G (NM_000465.2); short protein forms R188G, R207G, R639G, R145G, R658G.
Identifiers: ClinVar variation 1370827 (VCV001370827.10), dbSNP rs3738888, ClinGen allele CA350451137.